The following is an entry in ClinVar:

NM_006892.4(DNMT3B):c.1700T>C (p.Ile567Thr)

Genes: DNMT3B (DNA methyltransferase 3 beta; plus strand), LOC126863014 (CDK7 strongly-dependent group 2 enhancer GRCh37_chr20:31385992-31387191; plus strand). Cytogenetic location: 20q11.21.
Variant type: single nucleotide variant.
Coding change: c.1700T>C on transcript NM_006892.4 (MANE Select); coding-DNA position 1700, T replaced by C.
Protein change: p.Ile567Thr; replaces isoleucine 567 with threonine.
Molecular consequence: missense variant.
Genome position (GRCh38, 1-based): chr20:32,799,269, T>C. VCF-style: chr20-32799269-T-C. GRCh37 (hg19) VCF-style: chr20-31387075-T-C.
Other names: c.1514T>C, p.Ile505Thr (NM_001207055.2); c.1412T>C, p.Ile471Thr (NM_001207056.2); c.1640T>C, p.Ile547Thr (NM_175848.2, NM_175849.2); c.1676T>C, p.Ile559Thr (NM_175850.3); short protein forms I471T, I547T, I505T, I559T, I567T.
Identifiers: ClinVar variation 2108213 (VCV002108213.1), dbSNP rs375825329, ClinGen allele CA9810677.

ClinVar aggregate classification (germline): Uncertain significance (1 of 4 stars; one submission).

Conditions:
Centromeric instability of chromosomes 1,9 and 16 and immunodeficiency (ICF1). Also called: IMMUNE DEFICIENCY, VARIABLE, WITH CENTROMERIC INSTABILITY OF CHROMOSOMES 1, 9, AND 16; IMMUNODEFICIENCY SYNDROME, VARIABLE; CENTROMERIC INSTABILITY, IMMUNODEFICIENCY SYNDROME; Immunodeficiency-centromeric instability-facial anomalies. Identifiers: Orphanet 2268, MedGen C0398788, MONDO:0000133.

Allele frequency attached by ClinVar (database versions not stated): TOPMed below 0.00001; gnomAD 0.00001; gnomAD exomes 0.00001; ExAC 0.00002; ESP Exome Variant Server 0.00008.
gnomAD v4.1: 16 of 1,613,282 alleles (0.00099%); highest among the groups gnomAD compares: Non-Finnish European, 0.0013%; no homozygotes.

Submission:

Labcorp Genetics (formerly Invitae), Labcorp
Classification: Uncertain significance for Centromeric instability of chromosomes 1,9 and 16 and immunodeficiency. Last evaluated: 2022-05-13. Review status: criteria provided, single submitter. Criteria: Invitae Variant Classification Sherloc (09022015). Collection method: clinical testing. Allele origin: germline.
Comment: This sequence change replaces isoleucine, which is neutral and non-polar, with threonine, which is neutral and polar, at codon 567 of the DNMT3B protein (p.Ile567Thr). This variant is present in population databases (rs375825329, gnomAD 0.0009%). This variant has not been reported in the literature in individuals affected with DNMT3B-related conditions. Algorithms developed to predict the effect of missense changes on protein structure and function (SIFT, PolyPhen-2, Align-GVGD) all suggest that this variant is likely to be disruptive. In summary, the available evidence is currently insufficient to determine the role of this variant in disease. Therefore, it has been classified as a Variant of Uncertain Significance.